The following is an entry in ClinVar:

NM_016631.4(PAXBP1):c.273G>T (p.Pro91=)

Gene: PAXBP1 (PAX3 and PAX7 binding protein 1; minus strand). Cytogenetic location: 21q22.11.
Variant type: single nucleotide variant.
Coding change: c.273G>T on transcript NM_016631.4 (MANE Select); coding-DNA position 273, G replaced by T.
Protein change: p.Pro91=; no amino-acid change (proline 91 retained).
Molecular consequence: synonymous variant. On other transcripts: non-coding transcript variant (1).
Genome position (GRCh38, 1-based): chr21:32,771,396, C>A on the plus strand (G>T on the coding strand, the complement: PAXBP1 is on the minus strand). VCF-style: chr21-32771396-C-A. GRCh37 (hg19) VCF-style: chr21-34143707-C-A.
Other names: c.273G>T, p.Pro91= (NM_013329.4).
Identifiers: ClinVar variation 4534682 (VCV004534682.6).

ClinVar aggregate classification (germline): Likely benign (1 of 4 stars; one submission).

Submission:

CeGaT Center for Human Genetics Tuebingen
Classification: Likely benign. Last evaluated: 2025-10-01. Review status: criteria provided, single submitter. Criteria: CeGaT Center For Human Genetics Tuebingen Variant Classification Criteria Version 2. Collection method: clinical testing. Allele origin: germline. Affected: yes. Observed: 1 variant allele.
Comment: PAXBP1: BP4, BP7